The following is an entry in ClinVar:

ClinVar aggregate classification (germline): Uncertain significance (1 of 4 stars; one submission).

Conditions:
Long QT syndrome (LQTS). Identifiers: MedGen C0023976, MeSH D008133, MONDO:0002442. Disease mechanism: loss of function. Inheritance: Various modes of inheritance.

gnomAD v4.1: 1 of 1,552,872 alleles (0.000064%); highest among the groups gnomAD compares: Non-Finnish European, 0.000087%; no homozygotes.

Submission:

Labcorp Genetics (formerly Invitae), Labcorp
Classification: Uncertain significance for Long QT syndrome. Last evaluated: 2025-01-23. Review status: criteria provided, single submitter. Criteria: Invitae Variant Classification Sherloc (09022015). Collection method: clinical testing. Allele origin: germline.
Comment: This sequence change falls in intron 13 of the KCNQ1 gene. It does not directly change the encoded amino acid sequence of the KCNQ1 protein. It affects a nucleotide within the consensus splice site. The frequency data for this variant in the population databases is considered unreliable, as metrics indicate poor data quality at this position in the gnomAD database. This variant has not been reported in the literature in individuals affected with KCNQ1-related conditions. Variants that disrupt the consensus splice site are a relatively common cause of aberrant splicing (PMID: 17576681, 9536098). Algorithms developed to predict the effect of sequence changes on RNA splicing suggest that this variant may disrupt the consensus splice site. In summary, the available evidence is currently insufficient to determine the role of this variant in disease. Therefore, it has been classified as a Variant of Uncertain Significance.

Literature cited by the submitters: PubMed 17576681; PubMed 9536098.

NM_000218.3(KCNQ1):c.1685+5G>T

Gene: KCNQ1 (potassium voltage-gated channel subfamily Q member 1; plus strand). Cytogenetic location: 11p15.5.
Variant type: single nucleotide variant.
Coding change: c.1685+5G>T on transcript NM_000218.3 (MANE Select); 5 bases into the intron after coding-DNA position 1685, G replaced by T.
Molecular consequence: intron variant.
Genome position (GRCh38, 1-based): chr11:2,776,059, G>T. VCF-style: chr11-2776059-G-T. GRCh37 (hg19) VCF-style: chr11-2797289-G-T.
Other names: c.1415+5G>T (NM_001406837.1); c.1589+5G>T (NM_001406836.1); c.1145+5G>T (NM_001406838.1); c.1304+5G>T (NM_181798.2).
Identifiers: ClinVar variation 3729529 (VCV003729529.2).